The following is an entry in ClinVar:

ClinVar aggregate classification (germline): Uncertain significance (1 of 4 stars; one submission).

Conditions:
EGFR-related lung cancer (EGFR). Identifiers: MedGen CN130014.

gnomAD v4.1: 9 of 1,614,196 alleles (0.00056%); highest among the groups gnomAD compares: South Asian, 0.0099%; no homozygotes.

Submission:

Labcorp Genetics (formerly Invitae), Labcorp
Classification: Uncertain significance for EGFR-related lung cancer. Last evaluated: 2024-03-06. Review status: criteria provided, single submitter. Criteria: Invitae Variant Classification Sherloc (09022015). Collection method: clinical testing. Allele origin: germline.
Comment: This sequence change replaces histidine, which is basic and polar, with asparagine, which is neutral and polar, at codon 183 of the EGFR protein (p.His183Asn). This variant is present in population databases (rs772071414, gnomAD 0.01%). This variant has not been reported in the literature in individuals affected with EGFR-related conditions. ClinVar contains an entry for this variant (Variation ID: 1014375). Algorithms developed to predict the effect of missense changes on protein structure and function output the following: SIFT: "Not Available"; PolyPhen-2: "Benign"; Align-GVGD: "Not Available". The asparagine amino acid residue is found in multiple mammalian species, which suggests that this missense change does not adversely affect protein function. In summary, the available evidence is currently insufficient to determine the role of this variant in disease. Therefore, it has been classified as a Variant of Uncertain Significance.

NM_005228.5(EGFR):c.547C>A (p.His183Asn)

Gene: EGFR (epidermal growth factor receptor; plus strand). Cytogenetic location: 7p11.2.
Variant type: single nucleotide variant.
Coding change: c.547C>A on transcript NM_005228.5 (MANE Select); coding-DNA position 547, C replaced by A.
Protein change: p.His183Asn; replaces histidine 183 with asparagine.
Molecular consequence: missense variant. On other transcripts: intron variant (3).
Genome position (GRCh38, 1-based): chr7:55,146,728, C>A. VCF-style: chr7-55146728-C-A. GRCh37 (hg19) VCF-style: chr7-55214421-C-A.
Other names: c.547C>A, p.His183Asn (NM_001346898.2, NM_201282.2, NM_201283.2 and 1 more transcripts); c.388C>A, p.His130Asn (NM_001346900.2); c.424+3240C>A (NM_001346899.2, NM_001346897.2); c.89-9102C>A (NM_001346941.2); short protein forms H130N, H183N.
Identifiers: ClinVar variation 1014375 (VCV001014375.9), dbSNP rs772071414, ClinGen allele CA4265243.
Genomic context (GRCh38, chr7:55,146,728, plus strand): 5'-CAGTGGCGGGACATAGTCAGCAGTGACTTTCTCAGCAACATGTCGATGGACTTCCAGAAC[C>A]ACCTGGGCAGCTGTAAGTGTCGCATACACACTATCTCTGCCTCCAGCTCCTATGGGGGAC-3'
Protein context (NP_005219.2, residues 173-193): LSNMSMDFQN[His183Asn]LGSCQKCDPS